The following is an entry in ClinVar:

ClinVar aggregate classification (germline): Benign. Review status: criteria provided, multiple submitters, no conflicts (2 of 4 stars). 8 submissions from 8 submitters: Benign (8). Last evaluated 2026-09-01.

Conditions:
Inborn genetic diseases. Identifiers: MedGen C0950123, MeSH D030342.
Developmental and epileptic encephalopathy 94 (DEE94). Also called: CHD2-Related Neurodevelopmental Disorders; Epileptic encephalopathy, childhood-onset. Identifiers: Orphanet 1942, Orphanet 2382, MedGen C3809278, MONDO:0014150, OMIM 615369.

Allele frequency attached by ClinVar (database versions not stated): TOPMed 0.00592; ExAC 0.00602; gnomAD 0.00660 and 0.00698; 1000 Genomes Project 0.00260; 1000 Genomes Project 30x 0.00281; ESP Exome Variant Server 0.00485; gnomAD exomes 0.00564.
gnomAD v4.1: 12,069 of 1,592,496 alleles (0.76%); highest among the groups gnomAD compares: Non-Finnish European, 0.85%; 63 homozygotes.

Submissions (8):

CeGaT Center for Human Genetics Tuebingen
Classification: Benign. Last evaluated: 2026-09-01. Review status: criteria provided, single submitter. Criteria: CeGaT Center For Human Genetics Tuebingen Variant Classification Criteria Version 2. Collection method: clinical testing. Allele origin: germline. Affected: yes. Observed: 62 variant alleles.
Comment: CHD2: BP4, BP7, BS1, BS2

Labcorp Genetics (formerly Invitae), Labcorp
Classification: Benign for Developmental and epileptic encephalopathy 94. Last evaluated: 2026-02-02. Review status: criteria provided, single submitter. Criteria: Invitae Variant Classification Sherloc (09022015). Collection method: clinical testing. Allele origin: germline.

Athena Diagnostics
Classification: Benign. Last evaluated: 2024-06-06. Review status: criteria provided, single submitter. Criteria: Athena Diagnostics Criteria. Collection method: clinical testing. Allele origin: unknown.

Mayo Clinic Laboratories, Mayo Clinic
Classification: Benign. Last evaluated: 2022-01-11. Review status: criteria provided, single submitter. Criteria: ACMG Guidelines, 2015. Collection method: clinical testing. Allele origin: germline. Observed: 7 variant alleles.

Ambry Genetics
Classification: Benign for Inborn genetic diseases. Last evaluated: 2016-06-11. Review status: criteria provided, single submitter. Criteria: Ambry Variant Classification Scheme 2023. Collection method: clinical testing. Allele origin: germline.

GeneDx
Classification: Benign. Last evaluated: 2016-01-18. Review status: criteria provided, single submitter. Criteria: GeneDx Variant Classification (06012015). Collection method: clinical testing. Allele origin: germline. Affected: yes.
Comment: This variant is considered likely benign or benign based on one or more of the following criteria: it is a conservative change, it occurs at a poorly conserved position in the protein, it is predicted to be benign by multiple in silico algorithms, and/or has population frequency not consistent with disease.

Breakthrough Genomics
Classification: Benign. Review status: criteria provided, single submitter. Criteria: ACMG Guidelines, 2015. Collection method: not provided. Allele origin: germline. Inheritance: Autosomal dominant inheritance. Affected: yes.

PreventionGenetics, part of Exact Sciences
Classification: Benign. Review status: criteria provided, single submitter. Criteria: ACMG Guidelines, 2015. Collection method: clinical testing. Allele origin: germline.

NM_001271.4(CHD2):c.1788T>C (p.Tyr596=)

Gene: CHD2 (chromodomain helicase DNA binding protein 2; plus strand). Cytogenetic location: 15q26.1.
Variant type: single nucleotide variant.
Coding change: c.1788T>C on transcript NM_001271.4 (MANE Select); coding-DNA position 1788, T replaced by C.
Protein change: p.Tyr596=; no amino-acid change (tyrosine 596 retained).
Molecular consequence: synonymous variant.
Genome position (GRCh38, 1-based): chr15:92,955,491, T>C. VCF-style: chr15-92955491-T-C. GRCh37 (hg19) VCF-style: chr15-93498721-T-C.
Other names: p.Tyr596=.
Identifiers: ClinVar variation 238878 (VCV000238878.45), dbSNP rs144093014, ClinGen allele CA7747869.